The following is an entry in ClinVar:

ClinVar aggregate classification (germline): Likely benign (1 of 4 stars; one submission).

Conditions:
TMEM114-related disorder. Also called: TMEM114-related condition.

Submission:

PreventionGenetics, part of Exact Sciences
Classification: Likely benign for TMEM114-related condition. Last evaluated: 2020-04-03. Review status: criteria provided, single submitter. Criteria: ACMG Guidelines, 2015. Collection method: clinical testing. Allele origin: germline.
Comment: This variant is classified as likely benign based on ACMG/AMP sequence variant interpretation guidelines (Richards et al. 2015 PMID: 25741868, with internal and published modifications).

NM_001146336.2(TMEM114):c.90C>T (p.Asp30=)

Gene: TMEM114 (transmembrane protein 114; minus strand). Cytogenetic location: 16p13.2.
Variant type: single nucleotide variant.
Coding change: c.90C>T on transcript NM_001146336.2 (MANE Select); coding-DNA position 90, C replaced by T.
Protein change: p.Asp30=; no amino-acid change (aspartic acid 30 retained).
Molecular consequence: synonymous variant. On other transcripts: non-coding transcript variant (1), intron variant (1).
Genome position (GRCh38, 1-based): chr16:8,589,749, G>A on the plus strand (C>T on the coding strand, the complement: TMEM114 is on the minus strand). VCF-style: chr16-8589749-G-A.
Other names: c.90C>T, p.Asp30= (NM_001290095.2, NM_001290098.1); c.-24+271C>T (NM_001290097.2).
Identifiers: ClinVar variation 3054083 (VCV003054083.1), dbSNP rs2505945151, ClinGen allele CA2740093248.